The following is an entry in ClinVar:

NM_020937.4(FANCM):c.5359G>T (p.Asp1787Tyr)

Gene: FANCM (FA complementation group M; plus strand). Cytogenetic location: 14q21.2.
Variant type: single nucleotide variant.
Coding change: c.5359G>T on transcript NM_020937.4 (MANE Select); coding-DNA position 5359, G replaced by T.
Protein change: p.Asp1787Tyr; replaces aspartic acid 1787 with tyrosine.
Molecular consequence: missense variant.
Genome position (GRCh38, 1-based): chr14:45,196,190, G>T. VCF-style: chr14-45196190-G-T. GRCh37 (hg19) VCF-style: chr14-45665393-G-T.
Other names: c.5359G>T (LRG_502t1); c.5281G>T, p.Asp1761Tyr (NM_001308133.2); short protein forms D1761Y, D1787Y.
Identifiers: ClinVar variation 645428 (VCV000645428.11), dbSNP rs1465506378, ClinGen allele CA389585528.

ClinVar aggregate classification (germline): Uncertain significance. Review status: criteria provided, multiple submitters, no conflicts (2 of 4 stars). 2 submissions from 2 submitters: Uncertain significance (2). Last evaluated 2025-03-30.

Conditions:
Inborn genetic diseases. Identifiers: MedGen C0950123, MeSH D030342.
Fanconi anemia (FA). Also called: Fanconi's anemia. Identifiers: Orphanet 84, MedGen C0015625, MeSH D005199, MONDO:0019391.

Allele frequency attached by ClinVar (database versions not stated): gnomAD exomes below 0.00001 and 0.00001; gnomAD 0.00001.
gnomAD v4.1: 9 of 1,613,984 alleles (0.00056%); highest among the groups gnomAD compares: African/African-American, 0.0013%; no homozygotes.

Submissions (2):

Ambry Genetics
Classification: Uncertain significance for Inborn genetic diseases. Last evaluated: 2025-03-30. Review status: criteria provided, single submitter. Criteria: Ambry Variant Classification Scheme 2023. Collection method: clinical testing. Allele origin: germline.
Comment: The p.D1787Y variant (also known as c.5359G>T), located in coding exon 21 of the FANCM gene, results from a G to T substitution at nucleotide position 5359. The aspartic acid at codon 1787 is replaced by tyrosine, an amino acid with highly dissimilar properties. This amino acid position is conserved. In addition, this alteration is predicted to be tolerated by in silico analysis. Based on the available evidence, the clinical significance of this variant remains unclear.

Labcorp Genetics (formerly Invitae), Labcorp
Classification: Uncertain significance for Fanconi anemia. Last evaluated: 2019-10-19. Review status: criteria provided, single submitter. Criteria: Invitae Variant Classification Sherloc (09022015). Collection method: clinical testing. Allele origin: germline.
Comment: In summary, the available evidence is currently insufficient to determine the role of this variant in disease. Therefore, it has been classified as a Variant of Uncertain Significance. Algorithms developed to predict the effect of missense changes on protein structure and function are either unavailable or do not agree on the potential impact of this missense change (SIFT: "Tolerated"; PolyPhen-2: "Possibly Damaging"; Align-GVGD: "Class C0"). This variant has not been reported in the literature in individuals with FANCM-related disease. This variant is not present in population databases (ExAC no frequency). This sequence change replaces aspartic acid with tyrosine at codon 1787 of the FANCM protein (p.Asp1787Tyr). The aspartic acid residue is weakly conserved and there is a large physicochemical difference between aspartic acid and tyrosine.